The following is an entry in ClinVar:

NM_001363711.2(DUOX2):c.3325del (p.Leu1109fs)

Gene: DUOX2 (dual oxidase 2; minus strand). Cytogenetic location: 15q21.1.
Variant type: Deletion.
Coding change: c.3325del on transcript NM_001363711.2 (MANE Select); coding-DNA position 3325, one base deleted (C; older notation c.3325delC).
Protein change: p.Leu1109fs; shifts the reading frame from leucine 1109.
Molecular consequence: frameshift variant.
Genome position (GRCh38, 1-based): chr15:45,099,752, G deleted on the plus strand (C on the coding strand, the reverse complement: DUOX2 is on the minus strand); the first of 2 consecutive G bases (chr15:45,099,752-45,099,753); deleting either gives the same sequence. VCF-style (leftmost placement, unchanged base first): chr15-45099751-AG-A. GRCh37 (hg19) VCF-style: chr15-45391949-AG-A.
Other names: c.3325del, p.Leu1109fs (NM_014080.5); c.3325del (NM_014080.4); short protein forms L1109fs.
Identifiers: ClinVar variation 2736202 (VCV002736202.5), dbSNP rs769776374, ClinGen allele CA7537918.

ClinVar aggregate classification (germline): Pathogenic. Review status: criteria provided, multiple submitters, no conflicts (2 of 4 stars). 2 submissions from 2 submitters: Pathogenic (2). Last evaluated 2024-05-14.

Conditions:
Thyroid dyshormonogenesis 6 (TDH6). Also called: HYPOTHYROIDISM, CONGENITAL, DUE TO DYSHORMONOGENESIS, 6; THYROID HORMONOGENESIS, GENETIC DEFECT IN, 6; Genetic transient congenital hypothyroidism. Identifiers: Orphanet 226316, Orphanet 95716, MedGen C1846632, MONDO:0011792, OMIM 607200.

Submissions (2):

Fulgent Genetics
Classification: Pathogenic for Thyroid dyshormonogenesis 6. Last evaluated: 2024-05-14. Review status: criteria provided, single submitter. Criteria: ACMG Guidelines, 2015. Collection method: clinical testing. Allele origin: germline.

Labcorp Genetics (formerly Invitae), Labcorp
Classification: Pathogenic. Last evaluated: 2023-03-20. Review status: criteria provided, single submitter. Criteria: Invitae Variant Classification Sherloc (09022015). Collection method: clinical testing. Allele origin: germline.
Comment: This sequence change creates a premature translational stop signal (p.Leu1109Cysfs*61) in the DUOX2 gene. It is expected to result in an absent or disrupted protein product. Loss-of-function variants in DUOX2 are known to be pathogenic (PMID: 12110737, 18765513, 21565790, 24423310, 24735383). This variant is present in population databases (rs769776374, gnomAD 0.0009%). This variant has not been reported in the literature in individuals affected with DUOX2-related conditions. For these reasons, this variant has been classified as Pathogenic.

Literature cited by the submitters: PubMed 12110737 (cited by Labcorp Genetics (formerly Invitae), Labcorp); PubMed 18765513 (cited by Labcorp Genetics (formerly Invitae), Labcorp); PubMed 21565790 (cited by Labcorp Genetics (formerly Invitae), Labcorp); PubMed 24423310 (cited by Labcorp Genetics (formerly Invitae), Labcorp); PubMed 24735383 (cited by Labcorp Genetics (formerly Invitae), Labcorp).